The following is an entry in ClinVar:

NM_000057.4(BLM):c.3866C>G (p.Thr1289Arg)

Gene: BLM (BLM RecQ like helicase; plus strand). Cytogenetic location: 15q26.1.
Variant type: single nucleotide variant.
Coding change: c.3866C>G on transcript NM_000057.4 (MANE Select); coding-DNA position 3866, C replaced by G.
Protein change: p.Thr1289Arg; replaces threonine 1289 with arginine.
Molecular consequence: missense variant.
Genome position (GRCh38, 1-based): chr15:90,809,251, C>G. VCF-style: chr15-90809251-C-G. GRCh37 (hg19) VCF-style: chr15-91352481-C-G.
Other names: c.3866C>G, p.Thr1289Arg (NM_001287246.2); c.3473C>G, p.Thr1158Arg (NM_001287247.2); c.2741C>G, p.Thr914Arg (NM_001287248.2); short protein forms T1158R, T1289R, T914R.
Identifiers: ClinVar variation 4622503 (VCV004622503.1).

ClinVar aggregate classification (germline): Uncertain significance (1 of 4 stars; one submission).

Conditions:
Hereditary cancer-predisposing syndrome. Also called: Neoplastic Syndromes, Hereditary; Tumor predisposition; Hereditary Cancer Syndrome; Hereditary neoplastic syndrome. Identifiers: Orphanet 140162, MedGen C0027672, MeSH D009386, MONDO:0015356.

Submission:

Ambry Genetics
Classification: Uncertain significance for Hereditary cancer-predisposing syndrome. Last evaluated: 2025-09-16. Review status: criteria provided, single submitter. Criteria: Ambry Variant Classification Scheme 2023. Collection method: clinical testing. Allele origin: germline.
Comment: The p.T1289R variant (also known as c.3866C>G), located in coding exon 19 of the BLM gene, results from a C to G substitution at nucleotide position 3866. The threonine at codon 1289 is replaced by arginine, an amino acid with similar properties. This amino acid position is conserved. In addition, the in silico prediction for this alteration is inconclusive. Based on the available evidence, the clinical significance of this variant remains unclear.